The following is an entry in ClinVar:

ClinVar aggregate classification (germline): Uncertain significance. Review status: reviewed by expert panel (3 of 4 stars). 2 submissions from 2 submitters: Uncertain significance (1). 1 of the submissions does not count toward it. Last evaluated 2024-09-16.

Conditions:
Hereditary thrombocytopenia and hematological cancer predisposition syndrome associated with RUNX1. Also called: Familial Platelet Disorder with Propensity to Acute Myelogenous Leukemia; Familial thrombocytopenia with propensity to acute myelogenous leukemia; PLATELET DISORDER, ASPIRIN-LIKE; RUNX1 Familial Platelet Disorder with Associated Myeloid Malignancies. Identifiers: Orphanet 71290, MedGen C1832388, MeSH C563324, MONDO:0100083, OMIM 601399.
Hereditary thrombocytopenia and hematologic cancer predisposition syndrome. Identifiers: Orphanet 71290, MedGen CN281654, MONDO:0011071.

Submissions (2):

ClinGen Myeloid Malignancy Variant Curation Expert Panel
Classification: Uncertain significance for Hereditary thrombocytopenia and hematologic cancer predisposition syndrome. Last evaluated: 2024-09-16. Review status: reviewed by expert panel. Criteria: ClinGen MyeloMalig ACMG Specifications v2. Collection method: curation. Allele origin: germline. Inheritance: Autosomal dominant inheritance.
Comment: NM_001754.5(RUNX1):c.131C>G (p.Ser44Cys) is a missense variant which does not meet any ACMG/AMP criteria. In summary, the clinical significance of this variant is uncertain. ACMG/AMP criteria applied, as specified by the Myeloid Malignancy Variant Curation Expert Panel for RUNX1: None.

Labcorp Genetics (formerly Invitae), Labcorp
Classification: Uncertain significance for Hereditary thrombocytopenia and hematological cancer predisposition syndrome associated with RUNX1. Last evaluated: 2023-04-06. Review status: criteria provided, single submitter. Criteria: Invitae Variant Classification Sherloc (09022015). Collection method: clinical testing. Allele origin: germline. Not counted in ClinVar's aggregate classification.
Comment: In summary, the available evidence is currently insufficient to determine the role of this variant in disease. Therefore, it has been classified as a Variant of Uncertain Significance. Advanced modeling of protein sequence and biophysical properties (such as structural, functional, and spatial information, amino acid conservation, physicochemical variation, residue mobility, and thermodynamic stability) has been performed at Invitae for this missense variant, however the output from this modeling did not meet the statistical confidence thresholds required to predict the impact of this variant on RUNX1 protein function. This variant has not been reported in the literature in individuals affected with RUNX1-related conditions. This variant is not present in population databases (gnomAD no frequency). This sequence change replaces serine, which is neutral and polar, with cysteine, which is neutral and slightly polar, at codon 44 of the RUNX1 protein (p.Ser44Cys).

NM_001754.5(RUNX1):c.131C>G (p.Ser44Cys)

Gene: RUNX1 (RUNX family transcription factor 1; minus strand). Cytogenetic location: 21q22.12.
Variant type: single nucleotide variant.
Coding change: c.131C>G on transcript NM_001754.5 (MANE Select); coding-DNA position 131, C replaced by G.
Protein change: p.Ser44Cys; replaces serine 44 with cysteine.
Molecular consequence: missense variant.
Genome position (GRCh38, 1-based): chr21:34,887,063, G>C on the plus strand (C>G on the coding strand, the complement: RUNX1 is on the minus strand). VCF-style: chr21-34887063-G-C. GRCh37 (hg19) VCF-style: chr21-36259360-G-C.
Other names: NM_001754.5(RUNX1):c.131C>G; p.Ser44Cys; c.50C>G, p.Ser17Cys (NM_001001890.3, NM_001122607.2); short protein forms S44C, S17C.
Identifiers: ClinVar variation 2852638 (VCV002852638.4), dbSNP rs2517488157, ClinGen allele CA410204213.
Genomic context (GRCh38, chr21:34,887,063, plus strand): 5'-CCGGCGTCCGGGGCGCCCAGCGGCAACGCCTCGCTCATCTTGCCTGGGCTCAGCGCGGTG[G>C]AAGGCGGCGTGAAGCGGCGGCTCGTGCTGGCATCTACGGGGATACGCATCACAACAAGCC-3'
Protein context (NP_001745.2, residues 34-54): ASTSRRFTPP[Ser44Cys]TALSPGKMSE